The following is an entry in ClinVar:

NM_000088.4(COL1A1):c.1985G>A (p.Gly662Asp)

Gene: COL1A1 (collagen type I alpha 1 chain; minus strand). Cytogenetic location: 17q21.33.
Variant type: single nucleotide variant.
Coding change: c.1985G>A on transcript NM_000088.4 (MANE Select); coding-DNA position 1985, G replaced by A.
Protein change: p.Gly662Asp; replaces glycine 662 with aspartic acid.
Molecular consequence: missense variant.
Genome position (GRCh38, 1-based): chr17:50,192,023, C>T on the plus strand (G>A on the coding strand, the complement: COL1A1 is on the minus strand). VCF-style: chr17-50192023-C-T. GRCh37 (hg19) VCF-style: chr17-48269384-C-T.
Other names: short protein forms G662D.
Identifiers: ClinVar variation 4991580 (VCV004991580.1).

ClinVar aggregate classification (germline): Likely pathogenic (1 of 4 stars; one submission).

Conditions:
COL1A1-related disorder. Also called: COL1A1- related disease; COL1A1-related condition.

Submission:

PreventionGenetics, part of Exact Sciences
Classification: Likely pathogenic for COL1A1-related condition. Last evaluated: 2026-08-14. Review status: criteria provided, single submitter. Criteria: ACMG Guidelines, 2015. Collection method: clinical testing. Allele origin: germline.
Comment: The COL1A1 c.1985G>A variant is predicted to result in the amino acid substitution p.Gly662Asp. To our knowledge, this variant has not been reported in the literature or in a large population database (gnomAD), indicating this variant is rare. This variant is located in the conserved Gly-Xaa-Yaa triple helical domain where substitutions of a glycine are usually pathogenic (Residues 179-1192; Legacy nomenclature in Marini et al. 2007. PubMed ID: 17078022 indicates amino acids 1-1012; Symoens. 2014. PubMed ID: 25146735). This variant is interpreted as likely pathogenic.